The following is an entry in ClinVar:

NM_001195263.2(PDZD7):c.2346_2357dup (p.Arg783_Arg786dup)

Gene: PDZD7 (PDZ domain containing 7; minus strand). Cytogenetic location: 10q24.31.
Variant type: Duplication.
Coding change: c.2346_2357dup on transcript NM_001195263.2 (MANE Select); coding-DNA positions 2346 to 2357, 12 bases duplicated (CCGCAGCAGCCG).
Protein change: p.Arg783_Arg786dup.
Molecular consequence: inframe insertion.
Genome position (GRCh38, 1-based): chr10:101,010,532-101,010,543, CGGCTGCTGCGG duplicated on the plus strand (CCGCAGCAGCCG on the coding strand, the reverse complement: PDZD7 is on the minus strand); duplicating any 12 consecutive bases within chr10:101,010,532-101,010,544 gives the same sequence; the c. name uses the placement nearest the transcript's 3' end. VCF-style (leftmost placement, unchanged base first): chr10-101010531-C-CCGGCTGCTGCGG. GRCh37 (hg19) VCF-style: chr10-102770288-C-CCGGCTGCTGCGG.
Other names: c.2346_2357dup12 (NM_001195263.1).
Identifiers: ClinVar variation 1507587 (VCV001507587.5), dbSNP rs763555201, ClinGen allele CA5653975.

ClinVar aggregate classification (germline): Uncertain significance. Review status: criteria provided, multiple submitters, no conflicts (2 of 4 stars). 3 submissions from 3 submitters: Uncertain significance (3). Last evaluated 2026-05-06.

Conditions:
PDZD7-related disorder. Also called: PDZD7-related condition; PDZD7-related disorders.

Submissions (3):

PreventionGenetics, part of Exact Sciences
Classification: Uncertain significance for PDZD7-related condition. Last evaluated: 2026-05-06. Review status: criteria provided, single submitter. Criteria: ACMG Guidelines, 2015. Collection method: clinical testing. Allele origin: germline.
Comment: The PDZD7 c.2346_2357dup12 variant is predicted to result in an in-frame duplication (p.Arg783_Arg786dup). To our knowledge, this variant has not been reported in the literature. This variant is reported in 0.0050% of alleles in individuals of European (Non-Finnish) descent in gnomAD. At this time, the clinical significance of this variant is uncertain due to the absence of conclusive functional and genetic evidence.

Blueprint Genetics
Classification: Uncertain significance. Last evaluated: 2024-04-15. Review status: criteria provided, single submitter. Criteria: ACMG Guidelines, 2015. Collection method: clinical testing. Allele origin: germline.

Labcorp Genetics (formerly Invitae), Labcorp
Classification: Uncertain significance. Last evaluated: 2022-10-04. Review status: criteria provided, single submitter. Criteria: Invitae Variant Classification Sherloc (09022015). Collection method: clinical testing. Allele origin: germline.
Comment: This variant, c.2346_2357dup, is a complex sequence change that results in the insertion of 4 amino acid(s) in the PDZD7 protein (p.Arg783_Arg786dup). This variant is present in population databases (rs763555201, gnomAD 0.005%). This variant has not been reported in the literature in individuals affected with PDZD7-related conditions. ClinVar contains an entry for this variant (Variation ID: 1507587). Experimental studies and prediction algorithms are not available or were not evaluated, and the functional significance of this variant is currently unknown. In summary, the available evidence is currently insufficient to determine the role of this variant in disease. Therefore, it has been classified as a Variant of Uncertain Significance.